The following is an entry in ClinVar:

NM_000234.3(LIG1):c.1570G>A (p.Gly524Ser)

Gene: LIG1 (DNA ligase 1; minus strand). Cytogenetic location: 19q13.33.
Variant type: single nucleotide variant.
Coding change: c.1570G>A on transcript NM_000234.3 (MANE Select); coding-DNA position 1570, G replaced by A.
Protein change: p.Gly524Ser; replaces glycine 524 with serine.
Molecular consequence: missense variant. On other transcripts: non-coding transcript variant (4).
Genome position (GRCh38, 1-based): chr19:48,134,020, C>T on the plus strand (G>A on the coding strand, the complement: LIG1 is on the minus strand). VCF-style: chr19-48134020-C-T. GRCh37 (hg19) VCF-style: chr19-48637277-C-T.
Other names: c.1477G>A, p.Gly493Ser (NM_001289063.2); c.1366G>A, p.Gly456Ser (NM_001289064.2); c.1567G>A, p.Gly523Ser (NM_001320970.2); c.1480G>A, p.Gly494Ser (NM_001320971.2); short protein forms G493S, G494S, G523S, G524S, G456S.
Identifiers: ClinVar variation 1037802 (VCV001037802.9), dbSNP rs141215260, ClinGen allele CA9546784.

ClinVar aggregate classification (germline): Uncertain significance. Review status: criteria provided, multiple submitters, no conflicts (2 of 4 stars). 3 submissions from 3 submitters: Uncertain significance (3). Last evaluated 2024-10-28.

Allele frequency attached by ClinVar (database versions not stated): gnomAD exomes 0.00012 and 0.00016; gnomAD 0.00036 and 0.00039; 1000 Genomes Project 0.00040; ExAC 0.00019; 1000 Genomes Project 30x 0.00031; TOPMed 0.00042; ESP Exome Variant Server 0.00054.
gnomAD v4.1: 230 of 1,557,062 alleles (0.015%); highest among the groups gnomAD compares: African/African-American, 0.16%; no homozygotes.

Submissions (3):

Labcorp Genetics (formerly Invitae), Labcorp
Classification: Uncertain significance. Last evaluated: 2024-10-28. Review status: criteria provided, single submitter. Criteria: Invitae Variant Classification Sherloc (09022015). Collection method: clinical testing. Allele origin: germline.
Comment: This sequence change replaces glycine, which is neutral and non-polar, with serine, which is neutral and polar, at codon 524 of the LIG1 protein (p.Gly524Ser). This variant is present in population databases (rs141215260, gnomAD 0.1%). This variant has not been reported in the literature in individuals affected with LIG1-related conditions. ClinVar contains an entry for this variant (Variation ID: 1037802). An algorithm developed to predict the effect of missense changes on protein structure and function (PolyPhen-2) suggests that this variant is likely to be disruptive. In summary, the available evidence is currently insufficient to determine the role of this variant in disease. Therefore, it has been classified as a Variant of Uncertain Significance.

Blueprint Genetics
Classification: Uncertain significance. Last evaluated: 2023-12-11. Review status: criteria provided, single submitter. Criteria: ACMG Guidelines, 2015. Collection method: clinical testing. Allele origin: germline.

Breakthrough Genomics
Classification: Uncertain significance. Review status: criteria provided, single submitter. Criteria: ACMG Guidelines, 2015. Collection method: not provided. Allele origin: germline. Inheritance: Autosomal dominant inheritance. Affected: yes.